The following is an entry in ClinVar:

ClinVar aggregate classification (germline): Likely pathogenic. Review status: criteria provided, multiple submitters, no conflicts (2 of 4 stars). 2 submissions from 2 submitters: Likely pathogenic (2). Last evaluated 2024-07-22.

Conditions:
Leber congenital amaurosis (LCA). Also called: Leber's amaurosis. Identifiers: Orphanet 65, MedGen C0339527, MeSH D057130, MONDO:0018998.
Leber congenital amaurosis 13 (LCA13). Identifiers: MedGen C2675186, MONDO:0012990, OMIM 612712.

Submissions (2):

Natera, Inc.
Classification: Likely pathogenic for Leber congenital amaurosis. Last evaluated: 2024-07-22. Review status: criteria provided, single submitter. Criteria: Natera Variant Classification Schema (03/2026). Collection method: clinical testing. Allele origin: germline.
Comment: The c.680_684delinsT variant in RDH12 is a frameshift variant predicted to shift the reading frame beginning at codon 227 and leads to a stop codon 50 codons downstream. This variant is expected to result in nonsense mediated decay, truncation, or a dysfunctional protein product. This variant is rare in the general population with a frequency below the threshold expected for the associated phenotype(s). This variant has been observed in one or more individuals affected with the associated recessive disease, as either homozygous or compound heterozygous with a second variant (PMID: 30979730). Given the available evidence, this variant is classified as Likely Pathogenic.

Fulgent Genetics
Classification: Likely pathogenic for Leber congenital amaurosis 13. Last evaluated: 2024-06-12. Review status: criteria provided, single submitter. Criteria: ACMG Guidelines, 2015. Collection method: clinical testing. Allele origin: germline.

Literature cited by the submitters: PubMed 30979730 (cited by Natera, Inc.).

NM_152443.3(RDH12):c.680_684delinsT (p.Ala227fs)

Genes: GPHN (gephyrin; plus strand), RDH12 (retinol dehydrogenase 12; plus strand), ZFYVE26 (zinc finger FYVE-type containing 26; minus strand). Cytogenetic location: 14q24.1.
Variant type: Indel.
Coding change: c.680_684delinsT on transcript NM_152443.3 (MANE Select); coding-DNA positions 680 to 684, CAGTG replaced by T.
Protein change: p.Ala227fs; shifts the reading frame from alanine 227.
Molecular consequence: frameshift variant.
Genome position (GRCh38, 1-based): chr14:67,729,212-67,729,216, CAGTG replaced by T. VCF-style: chr14-67729212-CAGTG-T. GRCh37 (hg19) VCF-style: chr14-68195929-CAGTG-T.
Other names: c.680_684delinsT (NM_152443.2); short protein forms A227fs.
Identifiers: ClinVar variation 3576665 (VCV003576665.3).